The following is an entry in ClinVar:

ClinVar aggregate classification (germline): Likely benign (0 of 4 stars; one submission).

Conditions:
TBX3-related disorder. Also called: TBX3-related condition.

Allele frequency attached by ClinVar (database versions not stated): gnomAD 0.00001; TOPMed 0.00002; ExAC 0.00003; 1000 Genomes Project 30x 0.00031.
gnomAD v4.1: 3 of 1,606,514 alleles (0.00019%); highest among the groups gnomAD compares: African/African-American, 0.0013%; no homozygotes.

Submission:

PreventionGenetics, part of Exact Sciences
Classification: Likely benign for TBX3-related condition. Last evaluated: 2022-06-14. Review status: no assertion criteria provided. Collection method: clinical testing. Allele origin: germline.
Comment: This variant is classified as likely benign based on ACMG/AMP sequence variant interpretation guidelines (Richards et al. 2015 PMID: 25741868, with internal and published modifications).

NM_005996.4(TBX3):c.1239C>T (p.Pro413=)

Gene: TBX3 (T-box transcription factor 3; minus strand). Cytogenetic location: 12q24.21.
Variant type: single nucleotide variant.
Coding change: c.1239C>T on transcript NM_005996.4 (MANE Select); coding-DNA position 1239, C replaced by T.
Protein change: p.Pro413=; no amino-acid change (proline 413 retained).
Molecular consequence: synonymous variant.
Genome position (GRCh38, 1-based): chr12:114,674,636, G>A on the plus strand (C>T on the coding strand, the complement: TBX3 is on the minus strand). VCF-style: chr12-114674636-G-A. GRCh37 (hg19) VCF-style: chr12-115112441-G-A.
Other names: c.1299C>T, p.Pro433= (NM_016569.4).
Identifiers: ClinVar variation 3030439 (VCV003030439.2), dbSNP rs756790283, ClinGen allele CA6809957.
Genomic context (GRCh38, chr12:114,674,636, plus strand): 5'-CTCCTCCGCGCCCAGGCCGCGAGTGCTGGACGAGATGGTGGCGGGGCTATGGCGTGAGTC[G>A]GGCGACGCTTTGTCCAGCCGCCCGCTGTCCCGGGGCCGCTCAGCAGCGAAAAGGTGAGCC-3'
Protein context (NP_005987.3, residues 403-423): RDSGRLDKAS[Pro413=]DSRHSPATIS